The following continues an entry in ClinVar:

NM_001267550.2(TTN):c.55029G>A (p.Arg18343=)

ClinVar aggregate classification (germline): Benign/Likely benign. Benign (18); Likely benign (6).

Submissions 19 to 30 of 30:

Genetic Services Laboratory, University of Chicago
Classification: Benign. Last evaluated: 2015-02-10. Review status: criteria provided, single submitter. Criteria: ACMG Guidelines, 2015. Collection method: clinical testing. Allele origin: germline.

GeneDx
Classification: Benign. Last evaluated: 2013-06-21. Review status: criteria provided, single submitter. Criteria: GeneDx Variant Classification (06012015). Collection method: clinical testing. Allele origin: germline. Affected: yes.
Comment: This variant is considered likely benign or benign based on one or more of the following criteria: it is a conservative change, it occurs at a poorly conserved position in the protein, it is predicted to be benign by multiple in silico algorithms, and/or has population frequency not consistent with disease.

Ambry Genetics
Classification: Likely benign for Cardiovascular phenotype. Last evaluated: 2012-10-03. Review status: criteria provided, single submitter. Criteria: Ambry Autosomal Dominant and X-Linked criteria (10/2015). Collection method: clinical testing. Allele origin: germline. Observed: 1 variant allele.

Laboratory for Molecular Medicine, Mass General Brigham Personalized Medicine
Classification: Benign. Last evaluated: 2012-02-10. Review status: criteria provided, single submitter. Criteria: LMM Criteria. Collection method: clinical testing. Allele origin: germline. Observed: 32 variant alleles.
Comment: Arg15775Arg in exon 232 of TTN: This variant is classified as benign based on it s high frequency in the general population (dbSNP rs62178963; NHLBI Exome Sequen cing Project).

Breakthrough Genomics
Classification: Likely benign. Review status: criteria provided, single submitter. Criteria: ACMG Guidelines, 2015. Collection method: not provided. Allele origin: germline. Inheritance: Autosomal recessive inheritance. Affected: yes.

PreventionGenetics, part of Exact Sciences
Classification: Benign. Review status: criteria provided, single submitter. Criteria: ACMG Guidelines, 2015. Collection method: clinical testing. Allele origin: germline.

Clinical Genetics DNA and cytogenetics Diagnostics Lab, Erasmus MC, Erasmus Medical Center
Classification: Benign. Review status: no assertion criteria provided. Collection method: clinical testing. Allele origin: germline. Affected: yes. Study: VKGL Data-share Consensus. Not counted in ClinVar's aggregate classification.

Clinical Genetics, Academic Medical Center
Classification: Benign. Review status: no assertion criteria provided. Collection method: clinical testing. Allele origin: germline. Affected: yes. Study: VKGL Data-share Consensus. Not counted in ClinVar's aggregate classification.

Diagnostic Laboratory, Department of Genetics, University Medical Center Groningen
Classification: Likely benign. Review status: no assertion criteria provided. Collection method: clinical testing. Allele origin: germline. Affected: yes. Study: VKGL Data-share Consensus. Not counted in ClinVar's aggregate classification.

Genome Diagnostics Laboratory, University Medical Center Utrecht
Classification: Benign. Review status: no assertion criteria provided. Collection method: clinical testing. Allele origin: germline. Affected: yes. Study: VKGL Data-share Consensus. Not counted in ClinVar's aggregate classification.

Joint Genome Diagnostic Labs from Nijmegen and Maastricht, Radboudumc and MUMC+
Classification: Benign. Review status: no assertion criteria provided. Collection method: clinical testing. Allele origin: germline. Affected: yes. Study: VKGL Data-share Consensus. Not counted in ClinVar's aggregate classification.

Laboratory of Diagnostic Genome Analysis, Leiden University Medical Center (LUMC)
Classification: Likely benign. Review status: no assertion criteria provided. Collection method: clinical testing. Allele origin: germline. Affected: yes. Study: VKGL Data-share Consensus. Not counted in ClinVar's aggregate classification.

Literature cited by the submitters: PubMed 37301943 (cited by Athena Diagnostics).